The following is an entry in ClinVar:

NM_001382391.1(CSPP1):c.2810A>G (p.Asp937Gly)

Gene: CSPP1 (centrosome and spindle pole associated protein 1; plus strand). Cytogenetic location: 8q13.2.
Variant type: single nucleotide variant.
Coding change: c.2810A>G on transcript NM_001382391.1 (MANE Select); coding-DNA position 2810, A replaced by G.
Protein change: p.Asp937Gly; replaces aspartic acid 937 with glycine.
Molecular consequence: missense variant.
Genome position (GRCh38, 1-based): chr8:67,164,490, A>G. VCF-style: chr8-67164490-A-G. GRCh37 (hg19) VCF-style: chr8-68076725-A-G.
Other names: c.1760A>G, p.Asp587Gly (NM_001291339.2); c.2729A>G, p.Asp910Gly (NM_001363131.2); c.2615A>G, p.Asp872Gly (NM_001363132.2); c.2534A>G, p.Asp845Gly (NM_001363133.2); c.2876A>G, p.Asp959Gly (NM_001364869.1); c.2696A>G, p.Asp899Gly (NM_001364870.1); c.2795A>G, p.Asp932Gly (NM_024790.7); short protein forms D587G, D845G, D872G, D899G, D910G, D932G, D937G, D959G.
Identifiers: ClinVar variation 1717144 (VCV001717144.5), dbSNP rs928987895, ClinGen allele CA178193397.

ClinVar aggregate classification (germline): Uncertain significance (1 of 4 stars; one submission).

Conditions:
Joubert syndrome 21 (JBTS21). Identifiers: MedGen C3810212, MONDO:0014288, OMIM 615636.

Allele frequency attached by ClinVar (database versions not stated): gnomAD exomes below 0.00001; TOPMed 0.00002.
gnomAD v4.1: 3 of 1,557,506 alleles (0.00019%); highest among the groups gnomAD compares: South Asian, 0.0022%; no homozygotes.

Submission:

Labcorp Genetics (formerly Invitae), Labcorp
Classification: Uncertain significance for Joubert syndrome 21. Last evaluated: 2022-07-17. Review status: criteria provided, single submitter. Criteria: Invitae Variant Classification Sherloc (09022015). Collection method: clinical testing. Allele origin: germline.
Comment: This variant has not been reported in the literature in individuals affected with CSPP1-related conditions. This variant is not present in population databases (gnomAD no frequency). This sequence change replaces aspartic acid, which is acidic and polar, with glycine, which is neutral and non-polar, at codon 932 of the CSPP1 protein (p.Asp932Gly). Algorithms developed to predict the effect of missense changes on protein structure and function are either unavailable or do not agree on the potential impact of this missense change (SIFT: "Tolerated"; PolyPhen-2: "Possibly Damaging"; Align-GVGD: "Class C0"). In summary, the available evidence is currently insufficient to determine the role of this variant in disease. Therefore, it has been classified as a Variant of Uncertain Significance.